The following is an entry in ClinVar:

NM_178822.5(IGSF10):c.4417A>G (p.Met1473Val)

Gene: IGSF10 (immunoglobulin superfamily member 10; minus strand). Cytogenetic location: 3q25.1.
Variant type: single nucleotide variant.
Coding change: c.4417A>G on transcript NM_178822.5 (MANE Select); coding-DNA position 4417, A replaced by G.
Protein change: p.Met1473Val; replaces methionine 1473 with valine.
Molecular consequence: missense variant.
Genome position (GRCh38, 1-based): chr3:151,445,564, T>C on the plus strand (A>G on the coding strand, the complement: IGSF10 is on the minus strand). VCF-style: chr3-151445564-T-C. GRCh37 (hg19) VCF-style: chr3-151163352-T-C.
Other names: c.4417A>G, p.Met1473Val (NM_001385060.1, NM_001385061.1, NM_001385062.1 and 1 more transcripts); short protein forms M1473V.
Identifiers: ClinVar variation 2057998 (VCV002057998.6), dbSNP rs201715709, ClinGen allele CA2669976.

ClinVar aggregate classification (germline): Uncertain significance. Review status: criteria provided, multiple submitters, no conflicts (2 of 4 stars). 2 submissions from 2 submitters: Uncertain significance (2). Last evaluated 2024-07-09.

Allele frequency attached by ClinVar (database versions not stated): ExAC 0.00026; ESP Exome Variant Server 0.00008; gnomAD exomes 0.00014; TOPMed 0.00014; gnomAD 0.00011.

Submissions (2):

Ambry Genetics
Classification: Uncertain significance. Last evaluated: 2024-07-09. Review status: criteria provided, single submitter. Criteria: Ambry Variant Classification Scheme 2023. Collection method: clinical testing. Allele origin: germline.

Labcorp Genetics (formerly Invitae), Labcorp
Classification: Uncertain significance. Last evaluated: 2024-06-29. Review status: criteria provided, single submitter. Criteria: Invitae Variant Classification Sherloc (09022015). Collection method: clinical testing. Allele origin: germline.
Comment: This sequence change replaces methionine, which is neutral and non-polar, with valine, which is neutral and non-polar, at codon 1473 of the IGSF10 protein (p.Met1473Val). This variant is present in population databases (rs201715709, gnomAD 0.05%). This variant has not been reported in the literature in individuals affected with IGSF10-related conditions. ClinVar contains an entry for this variant (Variation ID: 2057998). Algorithms developed to predict the effect of missense changes on protein structure and function output the following: SIFT: "Not Available"; PolyPhen-2: "Benign"; Align-GVGD: "Not Available". The valine amino acid residue is found in multiple mammalian species, which suggests that this missense change does not adversely affect protein function. In summary, the available evidence is currently insufficient to determine the role of this variant in disease. Therefore, it has been classified as a Variant of Uncertain Significance.